The following is an entry in ClinVar:

ClinVar aggregate classification (germline): Uncertain significance (1 of 4 stars; one submission).

Allele frequency attached by ClinVar (database versions not stated): gnomAD exomes below 0.00001.
gnomAD v4.1: 1 of 1,604,050 alleles (0.000062%); highest among the groups gnomAD compares: Admixed American, 0.0017%; no homozygotes.

Submission:

Labcorp Genetics (formerly Invitae), Labcorp
Classification: Uncertain significance. Last evaluated: 2025-02-04. Review status: criteria provided, single submitter. Criteria: Invitae Variant Classification Sherloc (09022015). Collection method: clinical testing. Allele origin: germline.
Comment: This sequence change replaces arginine, which is basic and polar, with glycine, which is neutral and non-polar, at codon 1170 of the KIDINS220 protein (p.Arg1170Gly). The frequency data for this variant in the population databases is considered unreliable, as metrics indicate poor data quality at this position in the gnomAD database. This variant has not been reported in the literature in individuals affected with KIDINS220-related conditions. ClinVar contains an entry for this variant (Variation ID: 1965539). Experimental studies and prediction algorithms are not available or were not evaluated, and the functional significance of this variant is currently unknown. In summary, the available evidence is currently insufficient to determine the role of this variant in disease. Therefore, it has been classified as a Variant of Uncertain Significance.

NM_020738.4(KIDINS220):c.3508A>G (p.Arg1170Gly)

Gene: KIDINS220 (kinase D interacting substrate 220; minus strand). Cytogenetic location: 2p25.1.
Variant type: single nucleotide variant.
Coding change: c.3508A>G on transcript NM_020738.4 (MANE Select); coding-DNA position 3508, A replaced by G.
Protein change: p.Arg1170Gly; replaces arginine 1170 with glycine.
Molecular consequence: missense variant. On other transcripts: non-coding transcript variant (1), intron variant (8).
Genome position (GRCh38, 1-based): chr2:8,747,907, T>C on the plus strand (A>G on the coding strand, the complement: KIDINS220 is on the minus strand). VCF-style: chr2-8747907-T-C. GRCh37 (hg19) VCF-style: chr2-8888037-T-C.
Other names: c.3511A>G, p.Arg1171Gly (NM_001348729.2, NM_001348731.2); c.3508A>G, p.Arg1170Gly (NM_001348732.2, NM_001348738.2); c.3414+2205A>G (NM_001348741.2, NM_001348742.2, NM_001348743.2 and 1 more transcripts); c.3417+2205A>G (NM_001348739.2, NM_001348740.2, NM_001348734.2); c.3288+2205A>G (NM_001348736.2); short protein forms R1170G, R1171G.
Identifiers: ClinVar variation 1965539 (VCV001965539.5), dbSNP rs1218681910, ClinGen allele CA345770719.